The following is an entry in ClinVar:

ClinVar aggregate classification (germline): Pathogenic/Likely pathogenic. Review status: criteria provided, multiple submitters, no conflicts (2 of 4 stars). 4 submissions from 4 submitters: Pathogenic (3); Likely pathogenic (1). Last evaluated 2024-01-18.

Conditions:
Fucosidosis. Also called: ALPHA-L-FUCOSIDASE DEFICIENCY. Identifiers: Orphanet 349, MedGen C0016788, MONDO:0009254, OMIM 230000.
Abnormality of the nervous system. Also called: Congenital nervous system disorder. Identifiers: MedGen C0497552, MONDO:0002320, HP:0000707.

Submissions (4):

3billion
Classification: Pathogenic for Fucosidosis. Last evaluated: 2024-01-18. Review status: criteria provided, single submitter. Criteria: ACMG Guidelines, 2015. Collection method: clinical testing. Allele origin: germline. Affected: yes.
Comment: The variant is not observed in the gnomAD v2.1.1 dataset. Predicted Consequence/Location: Canonical splice site: predicted to alter splicing and result in a loss or disruption of normal protein function. Multiple pathogenic loss-of-function variants are reported downstream of the variant. In silico tools predict the variant to alter splicing and produce an abnormal transcript [Splice AI: 0.99 (spliceogenicity >=0.2, non-spliceogenicity <0.1)]. The variant has been reported at least twice as pathogenic without evidence for the classification (ClinVar ID: VCV000984720 /PMID: 28097321). Therefore, this variant is classified as Pathogenic according to the recommendation of ACMG/AMP guideline.

Labcorp Genetics (formerly Invitae), Labcorp
Classification: Likely pathogenic for Fucosidosis. Last evaluated: 2023-10-12. Review status: criteria provided, single submitter. Criteria: Invitae Variant Classification Sherloc (09022015). Collection method: clinical testing. Allele origin: germline.
Comment: This sequence change affects a donor splice site in intron 4 of the FUCA1 gene. It is expected to disrupt RNA splicing. Variants that disrupt the donor or acceptor splice site typically lead to a loss of protein function (PMID: 16199547), and loss-of-function variants in FUCA1 are known to be pathogenic (PMID: 10094192). This variant is not present in population databases (gnomAD no frequency). Disruption of this splice site has been observed in individual(s) with autosomal recessive fucosidosis (PMID: 28097321). ClinVar contains an entry for this variant (Variation ID: 984720). Algorithms developed to predict the effect of sequence changes on RNA splicing suggest that this variant may disrupt the consensus splice site. In summary, the currently available evidence indicates that the variant is pathogenic, but additional data are needed to prove that conclusively. Therefore, this variant has been classified as Likely Pathogenic.

Kariminejad - Najmabadi Pathology & Genetics Center
Classification: Pathogenic for Abnormality of the nervous system. Last evaluated: 2021-07-10. Review status: criteria provided, single submitter. Criteria: ACMG Guidelines, 2015. Collection method: clinical testing. Allele origin: germline. Affected: yes.

Institute of Human Genetics, University of Leipzig Medical Center
Classification: Pathogenic for Fucosidosis. Last evaluated: 2020-03-01. Review status: criteria provided, single submitter. Criteria: ACMG Guidelines, 2015. Collection method: clinical testing. Allele origin: biparental. Inheritance: Autosomal recessive inheritance. Affected: yes.
Comment: Review of the variants reported in Reuter et al., 2017, PMID: 28097321: PVS1,PM2,PM3_Supporting

Literature cited by the submitters: PubMed 28097321 (cited by 3billion and Labcorp Genetics (formerly Invitae), Labcorp); PubMed 16199547 (cited by Labcorp Genetics (formerly Invitae), Labcorp); PubMed 10094192 (cited by Labcorp Genetics (formerly Invitae), Labcorp).

NM_000147.5(FUCA1):c.768+1G>A

Gene: FUCA1 (alpha-L-fucosidase 1; minus strand). Cytogenetic location: 1p36.11.
Variant type: single nucleotide variant.
Coding change: c.768+1G>A on transcript NM_000147.5 (MANE Select); the canonical splice donor site of the intron after coding-DNA position 768, G replaced by A.
Molecular consequence: splice donor variant.
Genome position (GRCh38, 1-based): chr1:23,859,797, C>T on the plus strand (G>A on the coding strand, the complement: FUCA1 is on the minus strand). VCF-style: chr1-23859797-C-T. GRCh37 (hg19) VCF-style: chr1-24186287-C-T.
Identifiers: ClinVar variation 984720 (VCV000984720.26), dbSNP rs1639468949, ClinGen allele CA339004826.